The following is an entry in ClinVar:

ClinVar aggregate classification (germline): Uncertain significance (1 of 4 stars; one submission).

Conditions:
Familial cancer of breast. Also called: hereditary breast carcinoma; BREAST CANCER, FAMILIAL; Hereditary breast cancer. Identifiers: Orphanet 227535, MedGen C0346153, MONDO:0016419, OMIM 114480. Disease mechanism: loss of function.

Allele frequency attached by ClinVar (database versions not stated): gnomAD exomes below 0.00001.
gnomAD v4.1: 1 of 1,611,870 alleles (0.000062%); highest among the groups gnomAD compares: Admixed American, 0.0017%; no homozygotes.

Submission:

Labcorp Genetics (formerly Invitae), Labcorp
Classification: Uncertain significance for Familial cancer of breast. Last evaluated: 2023-09-03. Review status: criteria provided, single submitter. Criteria: Invitae Variant Classification Sherloc (09022015). Collection method: clinical testing. Allele origin: germline.
Comment: In summary, the available evidence is currently insufficient to determine the role of this variant in disease. Therefore, it has been classified as a Variant of Uncertain Significance. Algorithms developed to predict the effect of sequence changes on RNA splicing suggest that this variant may disrupt the consensus splice site. An algorithm developed to predict the effect of missense changes on protein structure and function (PolyPhen-2) suggests that this variant is likely to be tolerated. This variant has not been reported in the literature in individuals affected with BARD1-related conditions. This variant is not present in population databases (gnomAD no frequency). This sequence change replaces alanine, which is neutral and non-polar, with glycine, which is neutral and non-polar, at codon 554 of the BARD1 protein (p.Ala554Gly).

NM_000465.4(BARD1):c.1661C>G (p.Ala554Gly)

Gene: BARD1 (BRCA1 associated RING domain 1; minus strand). Cytogenetic location: 2q35.
Variant type: single nucleotide variant.
Coding change: c.1661C>G on transcript NM_000465.4 (MANE Select); coding-DNA position 1661, C replaced by G.
Protein change: p.Ala554Gly; replaces alanine 554 with glycine.
Molecular consequence: missense variant. On other transcripts: non-coding transcript variant (3), intron variant (1).
Genome position (GRCh38, 1-based): chr2:214,752,463, G>C on the plus strand (C>G on the coding strand, the complement: BARD1 is on the minus strand). VCF-style: chr2-214752463-G-C. GRCh37 (hg19) VCF-style: chr2-215617187-G-C.
Other names: c.1604C>G, p.Ala535Gly (NM_001282543.2); c.308C>G, p.Ala103Gly (NM_001282545.2); c.251C>G, p.Ala84Gly (NM_001282548.2); c.365-21955C>G (NM_001282549.2); short protein forms A535G, A103G, A554G, A84G.
Identifiers: ClinVar variation 2835995 (VCV002835995.3), dbSNP rs755822047, ClinGen allele CA350454593.